The following is an entry in ClinVar:

NM_005475.3(SH2B3):c.380C>G (p.Pro127Arg)

Gene: SH2B3 (SH2B adaptor protein 3; plus strand). Cytogenetic location: 12q24.12.
Variant type: single nucleotide variant.
Coding change: c.380C>G on transcript NM_005475.3 (MANE Select); coding-DNA position 380, C replaced by G.
Protein change: p.Pro127Arg; replaces proline 127 with arginine.
Molecular consequence: missense variant.
Genome position (GRCh38, 1-based): chr12:111,418,525, C>G. VCF-style: chr12-111418525-C-G. GRCh37 (hg19) VCF-style: chr12-111856329-C-G.
Other names: short protein forms P127R.
Identifiers: ClinVar variation 4842824 (VCV004842824.1).

ClinVar aggregate classification (germline): Uncertain significance (1 of 4 stars; one submission).

Conditions:
Inborn genetic diseases. Identifiers: MedGen C0950123, MeSH D030342.

Submission:

Ambry Genetics
Classification: Uncertain significance for Inborn genetic diseases. Last evaluated: 2026-01-04. Review status: criteria provided, single submitter. Criteria: Ambry Variant Classification Scheme 2023. Collection method: clinical testing. Allele origin: germline.
Comment: The p.P127R variant (also known as c.380C>G), located in coding exon 1 of the SH2B3 gene, results from a C to G substitution at nucleotide position 380. The proline at codon 127 is replaced by arginine, an amino acid with dissimilar properties. This amino acid position is conserved. In addition, this alteration is predicted to be tolerated by in silico analysis. Based on the available evidence, the clinical significance of this variant remains unclear.